The following is an entry in ClinVar:

ClinVar aggregate classification (germline): Uncertain significance (1 of 4 stars; one submission).

Conditions:
Cardiovascular phenotype. Identifiers: MedGen CN230736.

Allele frequency attached by ClinVar (database versions not stated): TOPMed below 0.00001.
gnomAD v4.1: 7 of 1,606,768 alleles (0.00044%); highest among the groups gnomAD compares: Non-Finnish European, 0.00042%; no homozygotes.

Submission:

Ambry Genetics
Classification: Uncertain significance for Cardiovascular phenotype. Last evaluated: 2023-12-22. Review status: criteria provided, single submitter. Criteria: Ambry Variant Classification Scheme 2023. Collection method: clinical testing. Allele origin: germline.
Comment: The p.Q706H variant (also known as c.2118G>T), located in coding exon 8 of the AKAP9 gene, results from a G to T substitution at nucleotide position 2118. The glutamine at codon 706 is replaced by histidine, an amino acid with highly similar properties. This amino acid position is conserved. In addition, this alteration is predicted to be tolerated by in silico analysis. Since supporting evidence is limited at this time, the clinical significance of this alteration remains unclear.

NM_005751.5(AKAP9):c.2118G>T (p.Gln706His)

Gene: AKAP9 (A-kinase anchoring protein 9; plus strand). Cytogenetic location: 7q21.2.
Variant type: single nucleotide variant.
Coding change: c.2118G>T on transcript NM_005751.5 (MANE Select); coding-DNA position 2118, G replaced by T.
Protein change: p.Gln706His; replaces glutamine 706 with histidine.
Molecular consequence: missense variant.
Genome position (GRCh38, 1-based): chr7:92,002,035, G>T. VCF-style: chr7-92002035-G-T. GRCh37 (hg19) VCF-style: chr7-91631349-G-T.
Other names: c.2118G>T, p.Gln706His (NM_147185.3); short protein forms Q706H.
Identifiers: ClinVar variation 3225023 (VCV003225023.1), dbSNP rs1429267561, ClinGen allele CA368123368.